The following is an entry in ClinVar:

NM_001369.3(DNAH5):c.7027G>T (p.Ala2343Ser)

Gene: DNAH5 (dynein axonemal heavy chain 5; minus strand). Cytogenetic location: 5p15.2.
Variant type: single nucleotide variant.
Coding change: c.7027G>T on transcript NM_001369.3 (MANE Select); coding-DNA position 7027, G replaced by T.
Protein change: p.Ala2343Ser; replaces alanine 2343 with serine.
Molecular consequence: missense variant.
Genome position (GRCh38, 1-based): chr5:13,814,808, C>A on the plus strand (G>T on the coding strand, the complement: DNAH5 is on the minus strand). VCF-style: chr5-13814808-C-A. GRCh37 (hg19) VCF-style: chr5-13814917-C-A.
Other names: short protein forms A2343S.
Identifiers: ClinVar variation 1756748 (VCV001756748.5), dbSNP rs2546825796, ClinGen allele CA359191207.

ClinVar aggregate classification (germline): Uncertain significance. Review status: criteria provided, multiple submitters, no conflicts (2 of 4 stars). 2 submissions from 2 submitters: Uncertain significance (2). Last evaluated 2024-06-24.

Conditions:
Primary ciliary dyskinesia. Also called: Ciliary dyskinesia. Identifiers: Orphanet 244, MedGen C0008780, MONDO:0016575, HP:0012265.

Submissions (2):

Labcorp Genetics (formerly Invitae), Labcorp
Classification: Uncertain significance for Primary ciliary dyskinesia. Last evaluated: 2024-06-24. Review status: criteria provided, single submitter. Criteria: Invitae Variant Classification Sherloc (09022015). Collection method: clinical testing. Allele origin: germline.
Comment: This sequence change replaces alanine, which is neutral and non-polar, with serine, which is neutral and polar, at codon 2343 of the DNAH5 protein (p.Ala2343Ser). This variant is not present in population databases (gnomAD no frequency). This variant has not been reported in the literature in individuals affected with DNAH5-related conditions. ClinVar contains an entry for this variant (Variation ID: 1756748). Advanced modeling of protein sequence and biophysical properties (such as structural, functional, and spatial information, amino acid conservation, physicochemical variation, residue mobility, and thermodynamic stability) has been performed at Invitae for this missense variant, however the output from this modeling did not meet the statistical confidence thresholds required to predict the impact of this variant on DNAH5 protein function. In summary, the available evidence is currently insufficient to determine the role of this variant in disease. Therefore, it has been classified as a Variant of Uncertain Significance.

Ambry Genetics
Classification: Uncertain significance for Primary ciliary dyskinesia. Last evaluated: 2022-08-30. Review status: criteria provided, single submitter. Criteria: Ambry Variant Classification Scheme 2023. Collection method: clinical testing. Allele origin: germline.
Comment: The p.A2343S variant (also known as c.7027G>T), located in coding exon 43 of the DNAH5 gene, results from a G to T substitution at nucleotide position 7027. The alanine at codon 2343 is replaced by serine, an amino acid with similar properties. This amino acid position is conserved. In addition, the in silico prediction for this alteration is inconclusive. Since supporting evidence is limited at this time, the clinical significance of this alteration remains unclear.